The following is an entry in ClinVar:

NM_020975.6(RET):c.1942G>A (p.Val648Ile)

Gene: RET (ret proto-oncogene; plus strand). Cytogenetic location: 10q11.21.
Variant type: single nucleotide variant.
Coding change: c.1942G>A on transcript NM_020975.6 (MANE Select); coding-DNA position 1942, G replaced by A.
Protein change: p.Val648Ile; replaces valine 648 with isoleucine.
Molecular consequence: missense variant.
Genome position (GRCh38, 1-based): chr10:43,114,542, G>A. VCF-style: chr10-43114542-G-A. GRCh37 (hg19) VCF-style: chr10-43609990-G-A.
Other names: c.1180G>A, p.Val394Ile (NM_001355216.2); c.1942G>A, p.Val648Ile (NM_001406743.1, NM_001406744.1, NM_001406759.1 and 4 more transcripts); c.1813G>A, p.Val605Ile (NM_001406761.1, NM_001406762.1, NM_001406764.1); c.1654G>A, p.Val552Ile (NM_001406766.1, NM_001406767.1, NM_001406770.1); c.1216G>A, p.Val406Ile (NM_001406778.1, NM_001406775.1, NM_001406776.1 and 1 more transcripts); c.1045G>A, p.Val349Ile (NM_001406779.1, NM_001406780.1, NM_001406781.1 and 1 more transcripts); c.916G>A, p.Val306Ile (NM_001406783.1, NM_001406786.1); c.952G>A, p.Val318Ile (NM_001406784.1); and 7 more; short protein forms V648I, V394I, V306I, V318I, V349I, V253I, V309I, V516I.
Identifiers: ClinVar variation 13949 (VCV000013949.29), dbSNP rs77711105, ClinGen allele CA008459.

ClinVar aggregate classification (germline): Conflicting classifications of pathogenicity. Review status: criteria provided, conflicting classifications (1 of 4 stars). 17 submissions from 17 submitters: Uncertain significance (2); Benign (1); Likely benign (11). 3 of the submissions do not count toward it. Last evaluated 2026-09-01.

Conditions:
Hereditary cancer-predisposing syndrome. Also called: Hereditary neoplastic syndrome; Hereditary Cancer Syndrome; Neoplastic Syndromes, Hereditary; Tumor predisposition. Identifiers: Orphanet 140162, MedGen C0027672, MeSH D009386, MONDO:0015356.
Multiple endocrine neoplasia, type 2 (MEN2). Identifiers: Orphanet 653, MedGen C4048306, MONDO:0019003. Disease mechanism: gain of function.
Multiple endocrine neoplasia type 2A. Also called: Multiple Endocrine Neoplasia Type 2A (MEN2A); MULTIPLE ENDOCRINE NEOPLASIA, TYPE IIA; PTC SYNDROME; SIPPLE SYNDROME; MEN 2A; MEN-2A syndrome. Identifiers: Orphanet 247698, Orphanet 653, MedGen C0025268, MeSH D018813, MONDO:0008234, OMIM 171400.

Allele frequency attached by ClinVar (database versions not stated): gnomAD 0.00005 and 0.00007; gnomAD exomes 0.00010 and 0.00009; ExAC 0.00009; TOPMed 0.00011.
gnomAD v4.1: 154 of 1,610,388 alleles (0.0096%); highest among the groups gnomAD compares: Middle Eastern, 0.13%; no homozygotes.

Submissions (17):

CeGaT Center for Human Genetics Tuebingen
Classification: Likely benign. Last evaluated: 2026-09-01. Review status: criteria provided, single submitter. Criteria: CeGaT Center For Human Genetics Tuebingen Variant Classification Criteria Version 2. Collection method: clinical testing. Allele origin: germline. Affected: yes. Observed: 2 variant alleles.
Comment: RET: BS2

Women's Health and Genetics/Laboratory Corporation of America, LabCorp
Classification: Likely benign. Last evaluated: 2026-04-28. Review status: criteria provided, single submitter. Criteria: LabCorp Variant Classification Summary - May 2015. Collection method: clinical testing. Allele origin: germline.
Comment: Variant summary: RET c.1942G>A (p.Val648Ile) results in a conservative amino acid change in the encoded protein sequence. Algorithms developed to predict the effect of missense changes on protein structure and function are either unavailable or do not agree on the potential impact of this missense change. The variant allele was found at a frequency of 0.0001 in 249474 control chromosomes. The observed variant frequency exceeds the estimated maximal expected allele frequency for disease-causing variants in RET. c.1942G>A has been observed in individual(s) affected with clinical features of RET-related conditions without strong evidence for causality (example, Nunes_2002). These report(s) do not provide unequivocal conclusions about association of the variant with RET-related conditions. At least one publication reports experimental evidence evaluating an impact on protein function (example, Cosci_2011). These results showed no damaging effect of this variant. The following publications have been ascertained in the context of this evaluation (PMID: 12466368, 16849421, 17605401, 16532227, 18209889, 21054478, 21655256, 21810974). ClinVar contains an entry for this variant (Variation ID: 13949). Based on the evidence outlined above, the variant was classified as likely benign.

Labcorp Genetics (formerly Invitae), Labcorp
Classification: Likely benign for Multiple endocrine neoplasia, type 2. Last evaluated: 2026-02-03. Review status: criteria provided, single submitter. Criteria: Invitae Variant Classification Sherloc (09022015). Collection method: clinical testing. Allele origin: germline.

Blueprint Genetics
Classification: Likely benign. Last evaluated: 2024-08-06. Review status: criteria provided, single submitter. Criteria: ACMG Guidelines, 2015. Collection method: clinical testing. Allele origin: germline.

Myriad Genetics, Inc.
Classification: Likely benign for Multiple endocrine neoplasia type 2A. Last evaluated: 2023-04-18. Review status: criteria provided, single submitter. Criteria: Myriad Autosomal Dominant, Autosomal Recessive and X-Linked Classification Criteria (2023). Collection method: clinical testing. Allele origin: unknown.
Comment: This variant is considered likely benign. This variant has been observed at a population frequency that is significantly greater than expected given the associated disease prevalence and penetrance.

Color Diagnostics, LLC DBA Color Health
Classification: Likely benign for Multiple endocrine neoplasia, type 2. Last evaluated: 2022-11-15. Review status: criteria provided, single submitter. Criteria: ACMG Guidelines, 2015. Collection method: clinical testing. Allele origin: germline.

MGZ Medical Genetics Center
Classification: Uncertain significance for Multiple endocrine neoplasia type 2A. Last evaluated: 2022-05-03. Review status: criteria provided, single submitter. Criteria: ACMG Guidelines, 2015. Collection method: clinical testing. Allele origin: germline. Affected: yes. Observed: 1 variant allele.
Comment: ACMG criteria applied: PM2_SUP, BP4

Sema4
Classification: Likely benign for Hereditary cancer-predisposing syndrome. Last evaluated: 2021-11-15. Review status: criteria provided, single submitter. Criteria: Sema4 Curation Guidelines. Collection method: curation. Allele origin: germline.

Ambry Genetics
Classification: Benign for Hereditary cancer-predisposing syndrome. Last evaluated: 2018-10-11. Review status: criteria provided, single submitter. Criteria: Ambry Variant Classification Scheme 2023. Collection method: clinical testing. Allele origin: germline.

Mendelics
Classification: Likely benign for Multiple endocrine neoplasia, type 2a. Last evaluated: 2018-07-02. Review status: criteria provided, single submitter. Criteria: Mendelics Assertion Criteria 2017. Collection method: clinical testing. Allele origin: unknown.

GeneDx
Classification: Likely benign. Last evaluated: 2017-09-29. Review status: criteria provided, single submitter. Criteria: GeneDx Variant Classification (06012015). Collection method: clinical testing. Allele origin: germline. Affected: yes.
Comment: This variant is considered likely benign or benign based on one or more of the following criteria: it is a conservative change, it occurs at a poorly conserved position in the protein, it is predicted to be benign by multiple in silico algorithms, and/or has population frequency not consistent with disease.

PreventionGenetics, part of Exact Sciences
Classification: Likely benign. Last evaluated: 2017-09-01. Review status: criteria provided, single submitter. Criteria: ACMG Guidelines, 2015. Collection method: clinical testing. Allele origin: germline.

Vantari Genetics
Classification: Likely benign for Hereditary cancer-predisposing syndrome. Last evaluated: 2016-02-04. Review status: criteria provided, single submitter. Criteria: ACMG Guidelines, 2015. Collection method: clinical testing. Allele origin: germline.

CSER _CC_NCGL, University of Washington
Classification: Uncertain significance for Multiple endocrine neoplasia 2A. Last evaluated: 2014-06-01. Review status: criteria provided, single submitter. Criteria: Amendola et al. (Genome Res. 2015). Collection method: research. Allele origin: germline. Inheritance: Autosomal dominant inheritance. Study: ESP 6500 variant annotation.
Comment: Low GERP score may suggest that this variant may belong in a lower pathogenicity class

Variants classified for the Actionable exomic incidental findings in 6503 participants: challenges of variant classification manuscript

Counsyl
Classification: Uncertain significance for Multiple endocrine neoplasia type 2A. Last evaluated: 2017-06-29. Review status: no assertion criteria provided. Collection method: clinical testing. Allele origin: unknown. Not counted in ClinVar's aggregate classification.

Biesecker Lab/Clinical Genomics Section, National Institutes of Health
Classification: Likely benign. Last evaluated: 2012-07-13. Review status: no assertion criteria provided. Collection method: research. Allele origin: germline. Affected: no. Observed: 1 variant allele. Study: ClinSeq. Not counted in ClinVar's aggregate classification.
ClinVar note: Converted during submission from probably not pathogenic to Likely benign.

OMIM
Classification: Pathogenic for MULTIPLE ENDOCRINE NEOPLASIA, TYPE IIA. Last evaluated: 2002-12-01. Review status: no assertion criteria provided. Collection method: literature only. Allele origin: germline. Not counted in ClinVar's aggregate classification.

Literature cited by the submitters: PubMed 12466368 (cited by 3 submitters); PubMed 16849421 (cited by Women's Health and Genetics/Laboratory Corporation of America, LabCorp); PubMed 16532227 (cited by Women's Health and Genetics/Laboratory Corporation of America, LabCorp); PubMed 18209889 (cited by Women's Health and Genetics/Laboratory Corporation of America, LabCorp); PubMed 17605401 (cited by Women's Health and Genetics/Laboratory Corporation of America, LabCorp); PubMed 21054478 (cited by Women's Health and Genetics/Laboratory Corporation of America, LabCorp); PubMed 21655256 (cited by Women's Health and Genetics/Laboratory Corporation of America, LabCorp); PubMed 21810974 (cited by Women's Health and Genetics/Laboratory Corporation of America, LabCorp and Counsyl); PubMed 26247112 (cited by Ambry Genetics and Counsyl); PubMed 24336963 (cited by Counsyl); PubMed 25440022 (cited by Counsyl); PubMed 21479187 (cited by Counsyl).